The following is an entry in ClinVar:

NM_000419.5(ITGA2B):c.2504C>G (p.Pro835Arg)

Gene: ITGA2B (integrin subunit alpha 2b; minus strand). Cytogenetic location: 17q21.31.
Variant type: single nucleotide variant.
Coding change: c.2504C>G on transcript NM_000419.5 (MANE Select); coding-DNA position 2504, C replaced by G.
Protein change: p.Pro835Arg; replaces proline 835 with arginine.
Molecular consequence: missense variant.
Genome position (GRCh38, 1-based): chr17:44,375,930, G>C on the plus strand (C>G on the coding strand, the complement: ITGA2B is on the minus strand). VCF-style: chr17-44375930-G-C. GRCh37 (hg19) VCF-style: chr17-42453298-G-C.
Other names: short protein forms P835R.
Identifiers: ClinVar variation 4747624 (VCV004747624.1).
Genomic context (GRCh38, chr17:44,375,930, plus strand): 5'-AGGCCCCCCTGGGGCTGTATATCCAGGATGTAGAGCAGGTCGGAGGGCTGGGACTGTCCC[G>C]GAAGGTGGATGCTGAGGTGAAGACCATTCACAGTCCCAGGGCCATTGTTGTGGAGCTGAA-3'
Protein context (NP_000410.2, residues 825-845): VNGLHLSIHL[Pro835Arg]GQSQPSDLLY

ClinVar aggregate classification (germline): Uncertain significance (1 of 4 stars; one submission).

Conditions:
Glanzmann thrombasthenia. Also called: BLEEDING DISORDER, PLATELET-TYPE, 2; THROMBASTHENIA OF GLANZMANN AND NAEGELI; PLATELET GLYCOPROTEIN IIb-IIIa DEFICIENCY; Glanzmann's thrombasthenia; Thrombasthenia. Identifiers: Orphanet 849, MedGen C0040015, MONDO:0100326.

Submission:

Labcorp Genetics (formerly Invitae), Labcorp
Classification: Uncertain significance for Glanzmann thrombasthenia. Last evaluated: 2025-04-28. Review status: criteria provided, single submitter. Criteria: Invitae Variant Classification Sherloc (09022015). Collection method: clinical testing. Allele origin: germline.
Comment: This sequence change replaces proline, which is neutral and non-polar, with arginine, which is basic and polar, at codon 835 of the ITGA2B protein (p.Pro835Arg). This variant is present in population databases (rs369457651, gnomAD 0.007%). This variant has not been reported in the literature in individuals affected with ITGA2B-related conditions. Invitae Evidence Modeling of protein sequence and biophysical properties (such as structural, functional, and spatial information, amino acid conservation, physicochemical variation, residue mobility, and thermodynamic stability) indicates that this missense variant is expected to disrupt ITGA2B protein function with a positive predictive value of 95%. In summary, the available evidence is currently insufficient to determine the role of this variant in disease. Therefore, it has been classified as a Variant of Uncertain Significance.